The following is an entry in ClinVar:

NM_001845.6(COL4A1):c.4740C>T (p.Gly1580=)

Gene: COL4A1 (collagen type IV alpha 1 chain; minus strand). Cytogenetic location: 13q34.
Variant type: single nucleotide variant.
Coding change: c.4740C>T on transcript NM_001845.6 (MANE Select); coding-DNA position 4740, C replaced by T.
Protein change: p.Gly1580=; no amino-acid change (glycine 1580 retained).
Molecular consequence: synonymous variant.
Genome position (GRCh38, 1-based): chr13:110,155,298, G>A on the plus strand (C>T on the coding strand, the complement: COL4A1 is on the minus strand). VCF-style: chr13-110155298-G-A. GRCh37 (hg19) VCF-style: chr13-110807645-G-A.
Other names: c.4740C>T (NM_001845.5).
Identifiers: ClinVar variation 2193572 (VCV002193572.6), dbSNP rs146822264, ClinGen allele CA7046832.

ClinVar aggregate classification (germline): Likely benign. Review status: criteria provided, single submitter (1 of 4 stars). 2 submissions from 2 submitters: Likely benign (1). 1 of the submissions does not count toward it. Last evaluated 2025-11-09.

Conditions:
COL4A1-related disorder. Also called: COL4A1-related disorders; COL4A1-related condition. Identifiers: MedGen CN376119, MONDO:0800461.

Allele frequency attached by ClinVar (database versions not stated): ExAC 0.00002; gnomAD 0.00007; TOPMed 0.00008; 1000 Genomes Project 30x 0.00031; 1000 Genomes Project 0.00040.
gnomAD v4.1: 24 of 1,613,528 alleles (0.0015%); highest among the groups gnomAD compares: African/African-American, 0.028%; no homozygotes.

Submissions (2):

Labcorp Genetics (formerly Invitae), Labcorp
Classification: Likely benign. Last evaluated: 2025-11-09. Review status: criteria provided, single submitter. Criteria: Invitae Variant Classification Sherloc (09022015). Collection method: clinical testing. Allele origin: germline.

PreventionGenetics, part of Exact Sciences
Classification: Likely benign for COL4A1-related condition. Last evaluated: 2022-08-26. Review status: no assertion criteria provided. Collection method: clinical testing. Allele origin: germline. Not counted in ClinVar's aggregate classification.
Comment: This variant is classified as likely benign based on ACMG/AMP sequence variant interpretation guidelines (Richards et al. 2015 PMID: 25741868, with internal and published modifications).